The following is an entry in ClinVar:

NM_000718.4(CACNA1B):c.6614C>T (p.Thr2205Met)

Gene: CACNA1B (calcium voltage-gated channel subunit alpha1 B; plus strand). Cytogenetic location: 9q34.3.
Variant type: single nucleotide variant.
Coding change: c.6614C>T on transcript NM_000718.4 (MANE Select); coding-DNA position 6614, C replaced by T.
Protein change: p.Thr2205Met; replaces threonine 2205 with methionine.
Molecular consequence: missense variant. On other transcripts: intron variant (1).
Genome position (GRCh38, 1-based): chr9:138,121,593, C>T. VCF-style: chr9-138121593-C-T. GRCh37 (hg19) VCF-style: chr9-141016045-C-T.
Other names: c.6490-63C>T (NM_001243812.2); short protein forms T2205M.
Identifiers: ClinVar variation 1716580 (VCV001716580.5), dbSNP rs376649735, ClinGen allele CA5377773.
Genomic context (GRCh38, chr9:138,121,593, plus strand): 5'-GTGGGCGGAGGCAGCTCCCCCAGACGCCCCTGACTCCCCGCCCCAGCATCACCTACAAGA[C>T]GGCCAACTCCTCACCCATCCACTTCGCCGGGGCTCAGACCAGCCTCCCTGCCTTCTCCCC-3'
Protein context (NP_000709.1, residues 2195-2215): LTPRPSITYK[Thr2205Met]ANSSPIHFAG

ClinVar aggregate classification (germline): Uncertain significance (1 of 4 stars; one submission).

Allele frequency attached by ClinVar (database versions not stated): gnomAD exomes 0.00001; ExAC 0.00002; gnomAD 0.00002; TOPMed 0.00002; ESP Exome Variant Server 0.00008.
gnomAD v4.1: 14 of 1,612,714 alleles (0.00087%); highest among the groups gnomAD compares: East Asian, 0.0022%; no homozygotes.

Submission:

Labcorp Genetics (formerly Invitae), Labcorp
Classification: Uncertain significance. Last evaluated: 2022-11-08. Review status: criteria provided, single submitter. Criteria: Invitae Variant Classification Sherloc (09022015). Collection method: clinical testing. Allele origin: germline.
Comment: In summary, the available evidence is currently insufficient to determine the role of this variant in disease. Therefore, it has been classified as a Variant of Uncertain Significance. Advanced modeling of protein sequence and biophysical properties (such as structural, functional, and spatial information, amino acid conservation, physicochemical variation, residue mobility, and thermodynamic stability) performed at Invitae indicates that this missense variant is not expected to disrupt CACNA1B protein function. This variant has not been reported in the literature in individuals affected with CACNA1B-related conditions. This variant is present in population databases (rs376649735, gnomAD 0.003%). This sequence change replaces threonine, which is neutral and polar, with methionine, which is neutral and non-polar, at codon 2205 of the CACNA1B protein (p.Thr2205Met).